The following is an entry in ClinVar:

NM_000053.4(ATP7B):c.3284A>G (p.Gln1095Arg)

Gene: ATP7B (ATPase copper transporting beta; minus strand). Cytogenetic location: 13q14.3.
Variant type: single nucleotide variant.
Coding change: c.3284A>G on transcript NM_000053.4 (MANE Select); coding-DNA position 3284, A replaced by G.
Protein change: p.Gln1095Arg; replaces glutamine 1095 with arginine.
Molecular consequence: missense variant.
Genome position (GRCh38, 1-based): chr13:51,942,514, T>C on the plus strand (A>G on the coding strand, the complement: ATP7B is on the minus strand). VCF-style: chr13-51942514-T-C. GRCh37 (hg19) VCF-style: chr13-52516650-T-C.
Other names: c.2663A>G, p.Gln888Arg (NM_001005918.3); c.2951A>G, p.Gln984Arg (NM_001243182.2); c.3188A>G, p.Gln1063Arg (NM_001406518.1, NM_001406517.1); c.3149A>G, p.Gln1050Arg (NM_001406519.1); c.3140A>G, p.Gln1047Arg (NM_001406520.1, NM_001406521.1, NM_001406522.1); c.3101A>G, p.Gln1034Arg (NM_001406523.1); c.3107A>G, p.Gln1036Arg (NM_001406524.1); c.3089A>G, p.Gln1030Arg (NM_001406525.1); and 20 more; short protein forms Q1011R, Q1063R, Q1084R, Q1093R, Q665R, Q979R, Q982R, Q999R.
Identifiers: ClinVar variation 2026537 (VCV002026537.5), dbSNP rs1555285891, ClinGen allele CA388028724.

ClinVar aggregate classification (germline): Likely pathogenic. Review status: criteria provided, single submitter (1 of 4 stars). 2 submissions from 2 submitters: Likely pathogenic (1). 1 of the submissions does not count toward it. Last evaluated 2022-07-15.

Conditions:
Wilson disease (WND). Also called: Wilson's disease. Identifiers: Orphanet 905, MedGen C0019202, MONDO:0010200, OMIM 277900. Disease mechanism: loss of function.

gnomAD v4.1: 2 of 1,614,140 alleles (0.00012%); highest among the groups gnomAD compares: Non-Finnish European, 0.00017%; no homozygotes.

Submissions (2):

Labcorp Genetics (formerly Invitae), Labcorp
Classification: Likely pathogenic for Wilson disease. Last evaluated: 2022-07-15. Review status: criteria provided, single submitter. Criteria: Invitae Variant Classification Sherloc (09022015). Collection method: clinical testing. Allele origin: germline.
Comment: In summary, the currently available evidence indicates that the variant is pathogenic, but additional data are needed to prove that conclusively. Therefore, this variant has been classified as Likely Pathogenic. This variant disrupts the p.Gln1095 amino acid residue in ATP7B. Other variant(s) that disrupt this residue have been determined to be pathogenic (PMID: 10502777, 16283883, 21219664; Invitae). This suggests that this residue is clinically significant, and that variants that disrupt this residue are likely to be disease-causing. Advanced modeling of protein sequence and biophysical properties (such as structural, functional, and spatial information, amino acid conservation, physicochemical variation, residue mobility, and thermodynamic stability) performed at Invitae indicates that this missense variant is expected to disrupt ATP7B protein function. This variant has not been reported in the literature in individuals affected with ATP7B-related conditions. This variant is present in population databases (no rsID available, gnomAD 0.0009%). This sequence change replaces glutamine, which is neutral and polar, with arginine, which is basic and polar, at codon 1095 of the ATP7B protein (p.Gln1095Arg).

Natera, Inc.
Classification: Uncertain significance for Wilson disease. Last evaluated: 2025-03-04. Review status: no assertion criteria provided. Collection method: clinical testing. Allele origin: germline. Not counted in ClinVar's aggregate classification.

Literature cited by the submitters: PubMed 10502777 (cited by Labcorp Genetics (formerly Invitae), Labcorp); PubMed 16283883 (cited by Labcorp Genetics (formerly Invitae), Labcorp); PubMed 21219664 (cited by Labcorp Genetics (formerly Invitae), Labcorp).